The following is an entry in ClinVar:

NM_138694.4(PKHD1):c.7764A>G (p.Leu2588=)

Gene: PKHD1 (PKHD1 ciliary IPT domain containing fibrocystin/polyductin; minus strand). Cytogenetic location: 6p12.2.
Variant type: single nucleotide variant.
Coding change: c.7764A>G on transcript NM_138694.4 (MANE Select); coding-DNA position 7764, A replaced by G.
Protein change: p.Leu2588=; no amino-acid change (leucine 2588 retained).
Molecular consequence: synonymous variant.
Genome position (GRCh38, 1-based): chr6:51,856,040, T>C on the plus strand (A>G on the coding strand, the complement: PKHD1 is on the minus strand). VCF-style: chr6-51856040-T-C. GRCh37 (hg19) VCF-style: chr6-51720838-T-C.
Other names: p.Leu2588=; c.7764A>G, p.Leu2588= (NM_170724.3).
Identifiers: ClinVar variation 96423 (VCV000096423.33), dbSNP rs9349603, ClinGen allele CA149526.

ClinVar aggregate classification (germline): Benign. Review status: criteria provided, multiple submitters, no conflicts (2 of 4 stars). 11 submissions from 11 submitters: Benign (9). 2 of the submissions do not count toward it. Last evaluated 2026-02-04.

Conditions:
Polycystic kidney disease 4 (PKD4). Also called: POLYCYSTIC KIDNEY AND HEPATIC DISEASE 1; POLYCYSTIC KIDNEY DISEASE, INFANTILE, TYPE I; POLYCYSTIC KIDNEY DISEASE 4 WITH OR WITHOUT POLYCYSTIC LIVER DISEASE; PKD3; Autosomal Recessive Polycystic Kidney Disease – PKHD1. Identifiers: MedGen C4540575, MONDO:0033004, OMIM 263200.
Autosomal recessive polycystic kidney disease (ARPKD). Also called: AR polycystic kidney disease. Identifiers: Orphanet 731, Orphanet 8378, MedGen C0085548, MeSH D017044, MONDO:0009889.
Polycystic kidney disease. Also called: Kidney, Polycystic; Polycystic kidney dysplasia. Identifiers: MedGen C0022680, MeSH D007690, MONDO:0020642, HP:0000113.

Allele frequency attached by ClinVar (database versions not stated): gnomAD exomes 0.35209 and 0.44517; ESP Exome Variant Server 0.35461; gnomAD 0.39323 and 0.40456; TOPMed 0.40742; ExAC 0.43390; 1000 Genomes Project 30x 0.53529; 1000 Genomes Project 0.53894.
gnomAD v4.1: 568,996 of 1,592,754 alleles (36%); highest among the groups gnomAD compares: East Asian, 83%; 114,186 homozygotes.

Submissions (11):

Labcorp Genetics (formerly Invitae), Labcorp
Classification: Benign for Autosomal recessive polycystic kidney disease. Last evaluated: 2026-02-04. Review status: criteria provided, single submitter. Criteria: Invitae Variant Classification Sherloc (09022015). Collection method: clinical testing. Allele origin: germline.

Blueprint Genetics
Classification: Benign. Last evaluated: 2024-11-27. Review status: criteria provided, single submitter. Criteria: ACMG Guidelines, 2015. Collection method: clinical testing. Allele origin: germline.

Mayo Clinic Laboratories, Mayo Clinic
Classification: Benign. Last evaluated: 2022-03-09. Review status: criteria provided, single submitter. Criteria: ACMG Guidelines, 2015. Collection method: clinical testing. Allele origin: germline. Observed: 489 variant alleles.

Genome-Nilou Lab
Classification: Benign for Polycystic kidney disease 4. Last evaluated: 2021-09-05. Review status: criteria provided, single submitter. Criteria: ACMG Guidelines, 2015. Collection method: clinical testing. Allele origin: germline. Affected: no.

Pars Genome Lab
Classification: Benign for Polycystic kidney disease 4. Last evaluated: 2021-06-19. Review status: criteria provided, single submitter. Criteria: ACMG Guidelines, 2015. Collection method: clinical testing. Allele origin: germline. Affected: no.

GeneDx
Classification: Benign. Last evaluated: 2018-07-09. Review status: criteria provided, single submitter. Criteria: GeneDx Variant Classification Process June 2021. Collection method: clinical testing. Allele origin: germline. Affected: yes.

Illumina Laboratory Services, Illumina
Classification: Benign for Polycystic kidney disease 4. Last evaluated: 2018-01-13. Review status: criteria provided, single submitter. Criteria: ICSL Variant Classification Criteria 13 December 2019. Collection method: clinical testing. Allele origin: germline.
Comment: This variant was observed in the ICSL laboratory as part of a predisposition screen in an ostensibly healthy population. It had not been previously curated by ICSL or reported in the Human Gene Mutation Database (HGMD: prior to June 1st, 2018), and was therefore a candidate for classification through an automated scoring system. Utilizing variant allele frequency, disease prevalence and penetrance estimates, and inheritance mode, an automated score was calculated to assess if this variant is too frequent to cause the disease. Based on the score and internal cut-off values, a variant classified as benign is not then subjected to further curation. The score for this variant resulted in a classification of benign for this disease.

Eurofins Ntd Llc (ga)
Classification: Benign. Last evaluated: 2015-10-22. Review status: criteria provided, single submitter. Criteria: EGL Classification Definitions 2015. Collection method: clinical testing. Allele origin: germline. Observed: 110 variant alleles, 80 heterozygotes, 30 homozygotes.

PreventionGenetics, part of Exact Sciences
Classification: Benign. Review status: criteria provided, single submitter. Criteria: ACMG Guidelines, 2015. Collection method: clinical testing. Allele origin: germline.

Natera, Inc.
Classification: Benign for Autosomal recessive polycystic kidney disease. Last evaluated: 2017-05-11. Review status: no assertion criteria provided. Collection method: clinical testing. Allele origin: germline. Not counted in ClinVar's aggregate classification.

Department of Pathology and Laboratory Medicine, Sinai Health System
Classification: Benign for Polycystic Kidney disease. Review status: no assertion criteria provided. Collection method: clinical testing. Allele origin: unknown. Affected: yes. Study: The Canadian Open Genetics Repository (COGR). Not counted in ClinVar's aggregate classification.
Comment: The c.7764A>G, p.Leu2588Leu variant was identified in 43.39% of 52674 control alleles in the Exome Aggregation Consortium (March 14, 2016). According to ACMG guidelines for variant classification based on allele frequency, category BA1, this variant is considered benign and has not been further reviewed (Richards 2015).